The following is an entry in ClinVar:

ClinVar aggregate classification (germline): Likely benign. Review status: criteria provided, multiple submitters, no conflicts (2 of 4 stars). 3 submissions from 3 submitters: Likely benign (3). Last evaluated 2023-06-26.

Conditions:
Catecholaminergic polymorphic ventricular tachycardia 1. Also called: VENTRICULAR TACHYCARDIA, STRESS-INDUCED POLYMORPHIC 1; VENTRICULAR TACHYCARDIA, CATECHOLAMINERGIC POLYMORPHIC, 1, WITH OR WITHOUT ATRIAL DYSFUNCTION AND/OR DILATED CARDIOMYOPATHY; RYR2-Related Catecholaminergic Polymorphic Ventricular Tachycardia. Identifiers: Orphanet 3286, MedGen C1631597, MONDO:0011484, OMIM 604772.
Catecholaminergic polymorphic ventricular tachycardia (CVPT). Also called: Catecholamine-induced polymorphic ventricular tachycardia. Identifiers: Orphanet 3286, MedGen C5574922, MONDO:0017990.

Allele frequency attached by ClinVar (database versions not stated): gnomAD exomes below 0.00001.
gnomAD v4.1: 1 of 1,613,660 alleles (0.000062%); highest among the groups gnomAD compares: African/African-American, 0.0013%; no homozygotes.

Submissions (3):

All of Us Research Program, National Institutes of Health
Classification: Likely benign for Catecholaminergic polymorphic ventricular tachycardia. Last evaluated: 2023-06-26. Review status: criteria provided, single submitter. Criteria: ACMG Guidelines, 2015. Collection method: clinical testing. Allele origin: germline. Inheritance: Autosomal dominant inheritance. Observed: 1 variant allele, 1 heterozygote.
Comment: This study involves interpretation of variants in research participants for the purpose of population health screening. Participant phenotype was not available at the time of variant classification. Additional details can be found in publication PMID: 35346344, PMCID: PMC8962531

CeGaT Center for Human Genetics Tuebingen
Classification: Likely benign. Last evaluated: 2021-01-01. Review status: criteria provided, single submitter. Criteria: CeGaT Center For Human Genetics Tuebingen Variant Classification Criteria Version 2. Collection method: clinical testing. Allele origin: germline. Affected: yes. Observed: 1 variant allele.

Labcorp Genetics (formerly Invitae), Labcorp
Classification: Likely benign for Catecholaminergic polymorphic ventricular tachycardia 1. Last evaluated: 2020-08-14. Review status: criteria provided, single submitter. Criteria: Invitae Variant Classification Sherloc (09022015). Collection method: clinical testing. Allele origin: germline.

NM_001035.3(RYR2):c.1953T>C (p.His651=)

Gene: RYR2 (ryanodine receptor 2; plus strand). Cytogenetic location: 1q43.
Variant type: single nucleotide variant.
Coding change: c.1953T>C on transcript NM_001035.3 (MANE Select); coding-DNA position 1953, T replaced by C.
Protein change: p.His651=; no amino-acid change (histidine 651 retained).
Molecular consequence: synonymous variant.
Genome position (GRCh38, 1-based): chr1:237,493,079, T>C. VCF-style: chr1-237493079-T-C. GRCh37 (hg19) VCF-style: chr1-237656379-T-C.
Identifiers: ClinVar variation 1013273 (VCV001013273.46), dbSNP rs1663595328, ClinGen allele CA423817168.